The following is an entry in ClinVar:

ClinVar aggregate classification (germline): Benign (3 of 4 stars; one submission).

Conditions:
Breast-ovarian cancer, familial, susceptibility to, 2 (BROVCA2). Also called: BRCA2 Hereditary Breast and Ovarian Cancer. Identifiers: Orphanet 145, MedGen C2675520, MONDO:0012933, OMIM 612555. Disease mechanism: loss of function.

Allele frequency attached by ClinVar (database versions not stated): 1000 Genomes Project 0.01837; 1000 Genomes Project 30x 0.01858; TOPMed 0.02456; gnomAD 0.03537 and 0.03545.
gnomAD v4.1: 5,361 of 152,294 alleles (3.5%); highest among the groups gnomAD compares: South Asian, 4.5%; 182 homozygotes.

Submission:

Evidence-based Network for the Interpretation of Germline Mutant Alleles (ENIGMA)
Classification: Benign for Breast-ovarian cancer, familial 2. Last evaluated: 2015-01-12. Review status: reviewed by expert panel. Criteria: ENIGMA BRCA1/2 Classification Criteria (2015). Collection method: curation. Allele origin: germline.
Comment: Class 1 not pathogenic based on frequency >1% in an outbred sampleset. Frequency 0.05937 (European), derived from 1000 genomes (2012-04-30).

NM_000059.4(BRCA2):c.8755-969A>G

Gene: BRCA2 (BRCA2 DNA repair associated; plus strand). Cytogenetic location: 13q13.1.
Variant type: single nucleotide variant.
Coding change: c.8755-969A>G on transcript NM_000059.4 (MANE Select); 969 bases into the intron before coding-DNA position 8755, A replaced by G.
Molecular consequence: intron variant.
Genome position (GRCh38, 1-based): chr13:32,378,348, A>G. VCF-style: chr13-32378348-A-G. GRCh37 (hg19) VCF-style: chr13-32952485-A-G.
Other names: IVS 21-969A>G.
Identifiers: ClinVar variation 209843 (VCV000209843.1), dbSNP rs11571765, ClinGen allele CA276811.
Genomic context (GRCh38, chr13:32,378,348, plus strand): 5'-TTCTATCAAGGGAAAACCTAAGAGTAGGTTATCTTTAGGGTTCTAAGTGCCTATGAGTCT[A>G]TGAGATTTGACTTTATTAAAGTTATCTTTGTAATTCTTTGAGGAGAACGTAGGCATCCAT-3'